The following is an entry in ClinVar:

NM_002075.4(GNB3):c.2T>C (p.Met1Thr)

Gene: GNB3 (G protein subunit beta 3; plus strand). Cytogenetic location: 12p13.31.
Variant type: single nucleotide variant.
Coding change: c.2T>C on transcript NM_002075.4 (MANE Select); coding-DNA position 2, T replaced by C.
Protein change: p.Met1Thr; changes the start codon (methionine 1).
Molecular consequence: missense variant, initiator codon variant.
Genome position (GRCh38, 1-based): chr12:6,841,289, T>C. VCF-style: chr12-6841289-T-C. GRCh37 (hg19) VCF-style: chr12-6950453-T-C.
Other names: c.2T>C, p.Met1Thr (NM_001297571.2); short protein forms M1T.
Identifiers: ClinVar variation 1358406 (VCV001358406.6), dbSNP rs1943568843, ClinGen allele CA383671278.

ClinVar aggregate classification (germline): Uncertain significance (1 of 4 stars; one submission).

Allele frequency attached by ClinVar (database versions not stated): TOPMed below 0.00001; gnomAD 0.00001.

Submission:

Labcorp Genetics (formerly Invitae), Labcorp
Classification: Uncertain significance. Last evaluated: 2022-12-02. Review status: criteria provided, single submitter. Criteria: Invitae Variant Classification Sherloc (09022015). Collection method: clinical testing. Allele origin: germline.
Comment: In summary, the available evidence is currently insufficient to determine the role of this variant in disease. Therefore, it has been classified as a Variant of Uncertain Significance. Experimental studies and prediction algorithms are not available or were not evaluated, and the functional significance of this variant is currently unknown. ClinVar contains an entry for this variant (Variation ID: 1358406). This variant has not been reported in the literature in individuals affected with GNB3-related conditions. This variant is not present in population databases (gnomAD no frequency). This sequence change affects the initiator methionine of the GNB3 mRNA. The next in-frame methionine is located at codon 4.